The following is an entry in ClinVar:

NM_199242.3(UNC13D):c.1992+4C>T

Gene: UNC13D (unc-13 homolog D; minus strand). Cytogenetic location: 17q25.1.
Variant type: single nucleotide variant.
Coding change: c.1992+4C>T on transcript NM_199242.3 (MANE Select); 4 bases into the intron after coding-DNA position 1992, C replaced by T.
Molecular consequence: intron variant.
Genome position (GRCh38, 1-based): chr17:75,834,916, G>A on the plus strand (C>T on the coding strand, the complement: UNC13D is on the minus strand). VCF-style: chr17-75834916-G-A. GRCh37 (hg19) VCF-style: chr17-73830997-G-A.
Identifiers: ClinVar variation 891711 (VCV000891711.6), dbSNP rs764950480, ClinGen allele CA8772730.

ClinVar aggregate classification (germline): Uncertain significance. Review status: criteria provided, multiple submitters, no conflicts (2 of 4 stars). 2 submissions from 2 submitters: Uncertain significance (2). Last evaluated 2022-06-13.

Conditions:
Familial hemophagocytic lymphohistiocytosis 3 (FHL3). Also called: UNC13D-Related Familial Hemophagocytic Lymphohistiocytosis (UNC13D-fHLH). Identifiers: Orphanet 540, MedGen C1837174, MONDO:0012146, OMIM 608898.

Allele frequency attached by ClinVar (database versions not stated): ExAC 0.00001; TOPMed 0.00002.
gnomAD v4.1: 55 of 1,613,818 alleles (0.0034%); highest among the groups gnomAD compares: East Asian, 0.045%; no homozygotes.

Submissions (2):

Labcorp Genetics (formerly Invitae), Labcorp
Classification: Uncertain significance for Familial hemophagocytic lymphohistiocytosis 3. Last evaluated: 2022-06-13. Review status: criteria provided, single submitter. Criteria: Invitae Variant Classification Sherloc (09022015). Collection method: clinical testing. Allele origin: germline.
Comment: This sequence change falls in intron 21 of the UNC13D gene. It does not directly change the encoded amino acid sequence of the UNC13D protein. It affects a nucleotide within the consensus splice site. This variant is present in population databases (rs764950480, gnomAD 0.002%). This variant has not been reported in the literature in individuals affected with UNC13D-related conditions. ClinVar contains an entry for this variant (Variation ID: 891711). Variants that disrupt the consensus splice site are a relatively common cause of aberrant splicing (PMID: 17576681, 9536098). Algorithms developed to predict the effect of sequence changes on RNA splicing suggest that this variant is not likely to affect RNA splicing. In summary, the available evidence is currently insufficient to determine the role of this variant in disease. Therefore, it has been classified as a Variant of Uncertain Significance.

Illumina Laboratory Services, Illumina
Classification: Uncertain significance for Familial hemophagocytic lymphohistiocytosis 3. Last evaluated: 2018-01-13. Review status: criteria provided, single submitter. Criteria: ICSL Variant Classification Criteria 13 December 2019. Collection method: clinical testing. Allele origin: germline.

Literature cited by the submitters: PubMed 17576681 (cited by Labcorp Genetics (formerly Invitae), Labcorp); PubMed 9536098 (cited by Labcorp Genetics (formerly Invitae), Labcorp).